The following is an entry in ClinVar:

NM_021267.5(CERS1):c.133G>C (p.Ala45Pro)

Genes: CERS1 (ceramide synthase 1; minus strand), GDF1 (growth differentiation factor 1; minus strand). Cytogenetic location: 19p13.11.
Variant type: single nucleotide variant.
Coding change: c.133G>C on transcript NM_021267.5 (MANE Select); coding-DNA position 133, G replaced by C.
Protein change: p.Ala45Pro; replaces alanine 45 with proline.
Molecular consequence: missense variant. On other transcripts: 5 prime UTR variant (4), intron variant (3).
Genome position (GRCh38, 1-based): chr19:18,895,940, C>G on the plus strand (G>C on the coding strand, the complement: CERS1 is on the minus strand). VCF-style: chr19-18895940-C-G. GRCh37 (hg19) VCF-style: chr19-19006749-C-G.
Other names: c.133G>C, p.Ala45Pro (NM_001387439.1, NM_001387440.1, NM_001387441.1 and 1 more transcripts); c.-396G>C (NM_001387444.1); c.-343G>C (NM_001387445.1); c.-770G>C (NM_001387438.1); c.-1190G>C (NM_001492.6); c.-46+786G>C (NM_001387443.1); c.-46+621G>C (NM_001387442.1, NM_001290265.2); short protein forms A45P.
Identifiers: ClinVar variation 1391318 (VCV001391318.7), dbSNP rs2146084497, ClinGen allele CA404868545.
Genomic context (GRCh38, chr19:18,895,940, plus strand): 5'-GCGCCAGCAGCAGCAGCTCGGGCGGCGCCAGGTGCGCGTGCTCAGCCAGGCCGCGACGCG[C>G]CAGCCCCCAGCCGCAGTCCGTGCAGCCCCGCGCCGCCGCCAGCGCGCTGCCCCAGCCGCG-3'
Protein context (NP_067090.1, residues 35-55): RGCTDCGWGL[Ala45Pro]RRGLAEHAHL

ClinVar aggregate classification (germline): Uncertain significance. Review status: criteria provided, multiple submitters, no conflicts (2 of 4 stars). 2 submissions from 2 submitters: Uncertain significance (2). Last evaluated 2024-05-10.

Conditions:
Progressive myoclonic epilepsy type 8. Identifiers: Orphanet 424027, MedGen C5190825, MONDO:0014545, OMIM 616230.

gnomAD v4.1: 8 of 1,174,188 alleles (0.00068%); highest among the groups gnomAD compares: Non-Finnish European, 0.00084%; no homozygotes.

Submissions (2):

Ambry Genetics
Classification: Uncertain significance. Last evaluated: 2024-05-10. Review status: criteria provided, single submitter. Criteria: Ambry Variant Classification Scheme 2023. Collection method: clinical testing. Allele origin: germline.

Labcorp Genetics (formerly Invitae), Labcorp
Classification: Uncertain significance for Progressive myoclonic epilepsy type 8. Last evaluated: 2022-07-12. Review status: criteria provided, single submitter. Criteria: Invitae Variant Classification Sherloc (09022015). Collection method: clinical testing. Allele origin: germline.
Comment: This sequence change replaces alanine, which is neutral and non-polar, with proline, which is neutral and non-polar, at codon 45 of the CERS1 protein (p.Ala45Pro). This variant is not present in population databases (gnomAD no frequency). This variant has not been reported in the literature in individuals affected with CERS1-related conditions. ClinVar contains an entry for this variant (Variation ID: 1391318). Algorithms developed to predict the effect of missense changes on protein structure and function are either unavailable or do not agree on the potential impact of this missense change (SIFT: "Tolerated"; PolyPhen-2: "Possibly Damaging"; Align-GVGD: "Class C0"). In summary, the available evidence is currently insufficient to determine the role of this variant in disease. Therefore, it has been classified as a Variant of Uncertain Significance.